The following is an entry in ClinVar:

ClinVar aggregate classification (germline): Likely pathogenic. Review status: criteria provided, multiple submitters, no conflicts (2 of 4 stars). 4 submissions from 4 submitters: Likely pathogenic (4). Last evaluated 2025-05-15.

Conditions:
Marfan syndrome (MFS). Also called: FBN1-Related Marfan Syndrome; Marfan syndrome, classic; MARFAN SYNDROME, TYPE I; Marfan syndrome type 1; Marfan's syndrome. Identifiers: Orphanet 284963, Orphanet 558, MedGen C0024796, MONDO:0007947, OMIM 154700.
Familial thoracic aortic aneurysm and aortic dissection (TAAD). Also called: Thoracic aortic aneurysms and dissections. Identifiers: Orphanet 91387, MedGen C4707243, MONDO:0019625.

Submissions (4):

Labcorp Genetics (formerly Invitae), Labcorp
Classification: Likely pathogenic for Marfan syndrome; Familial thoracic aortic aneurysm and aortic dissection. Last evaluated: 2025-05-15. Review status: criteria provided, single submitter. Criteria: Invitae Variant Classification Sherloc (09022015). Collection method: clinical testing. Allele origin: germline.
Comment: This sequence change replaces cysteine, which is neutral and slightly polar, with tyrosine, which is neutral and polar, at codon 1456 of the FBN1 protein (p.Cys1456Tyr). This variant is not present in population databases (gnomAD no frequency). This missense change has been observed in individual(s) with Marfan syndrome (PMID: 24793577). ClinVar contains an entry for this variant (Variation ID: 42357). Invitae Evidence Modeling of protein sequence and biophysical properties (such as structural, functional, and spatial information, amino acid conservation, physicochemical variation, residue mobility, and thermodynamic stability) indicates that this missense variant is expected to disrupt FBN1 protein function with a positive predictive value of 95%. This variant affects a cysteine residue in the EGF-like, TGFBP or hybrid motif domains of FBN1. Cysteine residues are believed to be involved in intramolecular disulfide bridges and have been shown to be important for FBN1 protein structure (PMID: 16905551, 19349279). In addition, missense substitutions affecting cysteine residues within these domains are significantly overrepresented among patients with Marfan syndrome (PMID: 16571647, 17701892). This variant disrupts the p.Cys1456 amino acid residue in FBN1. Other variant(s) that disrupt this residue have been observed in individuals with FBN1-related conditions (PMID: 19293843, 31098894, 33824467), which suggests that this may be a clinically significant amino acid residue. In summary, the currently available evidence indicates that the variant is pathogenic, but additional data are needed to prove that conclusively. Therefore, this variant has been classified as Likely Pathogenic.

CHEO Genetics Diagnostic Laboratory, Children's Hospital of Eastern Ontario
Classification: Likely pathogenic for Familial thoracic aortic aneurysm and aortic dissection. Last evaluated: 2019-04-11. Review status: criteria provided, single submitter. Criteria: ACMG Guidelines, 2015. Collection method: clinical testing. Allele origin: germline.

Ambry Genetics
Classification: Likely pathogenic for Familial thoracic aortic aneurysm and aortic dissection. Last evaluated: 2016-12-22. Review status: criteria provided, single submitter. Criteria: Ambry Variant Classification Scheme 2023. Collection method: clinical testing. Allele origin: germline.
Comment: The p.C1456Y variant (also known as c.4367G>A), located in coding exon 35 of the FBN1 gene, results from a G to A substitution at nucleotide position 4367. The cysteine at codon 1456 is replaced by tyrosine, an amino acid with highly dissimilar properties, and is located in the cbEGF-like #21 domain. The majority of FBN1 mutations identified to date have involved the substitution or generation of cysteine residues within cbEGF domains (Vollbrandt T et al. J Biol Chem. 2004;279(31):32924-32931). An internal structural analysis suggests that this variant disrupts a cysteine-cysteine bridge in the cbEGF domain, which has been correlated with the disease phenotype (Dietz HC et al. Hum Mutat. 1992;1(5):366-74). In addition, an alteration at the same amino acid position, p.C1456S, was reported to occur de novo in an individual with probable Marfan syndrome (Stheneur C et al. Eur J Hum Genet. 2009;17(9):1121-8). This amino acid position is highly conserved in available vertebrate species. In addition, this alteration is predicted to be deleterious by in silico analysis. Based on the majority of available evidence to date, this variant is likely to be pathogenic.

Laboratory for Molecular Medicine, Mass General Brigham Personalized Medicine
Classification: Likely pathogenic for Marfan syndrome. Last evaluated: 2009-02-26. Review status: criteria provided, single submitter. Criteria: LMM Criteria. Collection method: clinical testing. Allele origin: germline. Observed: 1 variant allele.

Literature cited by the submitters: PubMed 24793577 (cited by Labcorp Genetics (formerly Invitae), Labcorp and Ambry Genetics); PubMed 16905551 (cited by Labcorp Genetics (formerly Invitae), Labcorp); PubMed 19349279 (cited by Labcorp Genetics (formerly Invitae), Labcorp); PubMed 16571647 (cited by Labcorp Genetics (formerly Invitae), Labcorp); PubMed 17701892 (cited by Labcorp Genetics (formerly Invitae), Labcorp); PubMed 19293843 (cited by Labcorp Genetics (formerly Invitae), Labcorp and Ambry Genetics); PubMed 31098894 (cited by Labcorp Genetics (formerly Invitae), Labcorp); PubMed 33824467 (cited by Labcorp Genetics (formerly Invitae), Labcorp); PubMed 1301946 (cited by Ambry Genetics).

NM_000138.5(FBN1):c.4367G>A (p.Cys1456Tyr)

Gene: FBN1 (fibrillin 1; minus strand). Cytogenetic location: 15q21.1.
Variant type: single nucleotide variant.
Coding change: c.4367G>A on transcript NM_000138.5 (MANE Select); coding-DNA position 4367, G replaced by A.
Protein change: p.Cys1456Tyr; replaces cysteine 1456 with tyrosine.
Molecular consequence: missense variant.
Genome position (GRCh38, 1-based): chr15:48,470,726, C>T on the plus strand (G>A on the coding strand, the complement: FBN1 is on the minus strand). VCF-style: chr15-48470726-C-T. GRCh37 (hg19) VCF-style: chr15-48762923-C-T.
Other names: short protein forms C1456Y.
Identifiers: ClinVar variation 42357 (VCV000042357.11), dbSNP rs397515805, ClinGen allele CA015004.
Genomic context (GRCh38, chr15:48,470,726, plus strand): 5'-TAGCCTATCTCACACTCACAGCGGAACAGGCCAGGGAGGTTGTGGCAAGTTCCAAAGACA[C>T]AGATGTTCGGAAGGGAGCACTCATCAATATCTTGGGGGGAGGGAGAAAAAAGCAAAAAAC-3'
Protein context (NP_000129.3, residues 1446-1466): DIDECSLPNI[Cys1456Tyr]VFGTCHNLPG